The following is an entry in ClinVar:

NM_005120.3(MED12):c.5279A>C (p.Glu1760Ala)

Gene: MED12 (mediator complex subunit 12; plus strand). Cytogenetic location: Xq13.1.
Variant type: single nucleotide variant.
Coding change: c.5279A>C on transcript NM_005120.3 (MANE Select); coding-DNA position 5279, A replaced by C.
Protein change: p.Glu1760Ala; replaces glutamic acid 1760 with alanine.
Molecular consequence: missense variant.
Genome position (GRCh38, 1-based): chrX:71,136,534, A>C. VCF-style: chrX-71136534-A-C. GRCh37 (hg19) VCF-style: chrX-70356384-A-C.
Other names: c.5279A>C (NM_005120.2); short protein forms E1760A.
Identifiers: ClinVar variation 4801082 (VCV004801082.2).
Genomic context (GRCh38, chrX:71,136,534, plus strand): 5'-AGCCACTGCCACTGCCCCCAGAAGATGAGGAGCCGCCTGCTCCTACCCTGCTAGAGCCTG[A>C]GAAAAAGGCTCCAGAGCCCCCCAAAACTGACAAACCGGGGGCTGCTCCACCCAGTACTGA-3'
Protein context (NP_005111.2, residues 1750-1770): EPPAPTLLEP[Glu1760Ala]KKAPEPPKTD

ClinVar aggregate classification (germline): Uncertain significance. Review status: criteria provided, multiple submitters, no conflicts (2 of 4 stars). 2 submissions from 2 submitters: Uncertain significance (2). Last evaluated 2026-07-18.

Conditions:
MED12-Related Disorders. Also called: MED12-related disorder; MED12-related condition. Identifiers: MedGen CN381102.
FG syndrome (FGS). Identifiers: MedGen C0220769, MONDO:0002010.

Submissions (2):

PreventionGenetics, part of Exact Sciences
Classification: Uncertain significance for MED12-related condition. Last evaluated: 2026-07-18. Review status: criteria provided, single submitter. Criteria: ACMG Guidelines, 2015. Collection method: clinical testing. Allele origin: germline.
Comment: The MED12 c.5279A>C variant is predicted to result in the amino acid substitution p.Glu1760Ala. To our knowledge, this variant has not been reported in the literature or in a large population database (gnomAD), indicating this variant is rare. At this time, the clinical significance of this variant is uncertain due to the absence of conclusive functional and genetic evidence.

Labcorp Genetics (formerly Invitae), Labcorp
Classification: Uncertain significance for FG syndrome. Last evaluated: 2025-04-10. Review status: criteria provided, single submitter. Criteria: Invitae Variant Classification Sherloc (09022015). Collection method: clinical testing. Allele origin: germline.
Comment: This sequence change replaces glutamic acid, which is acidic and polar, with alanine, which is neutral and non-polar, at codon 1760 of the MED12 protein (p.Glu1760Ala). This variant is not present in population databases (gnomAD no frequency). This variant has not been reported in the literature in individuals affected with MED12-related conditions. Invitae Evidence Modeling of protein sequence and biophysical properties (such as structural, functional, and spatial information, amino acid conservation, physicochemical variation, residue mobility, and thermodynamic stability) indicates that this missense variant is not expected to disrupt MED12 protein function with a negative predictive value of 95%. In summary, the available evidence is currently insufficient to determine the role of this variant in disease. Therefore, it has been classified as a Variant of Uncertain Significance.